The following is an entry in ClinVar:

ClinVar aggregate classification (germline): Conflicting classifications of pathogenicity. Review status: criteria provided, conflicting classifications (1 of 4 stars). 2 submissions from 2 submitters: Uncertain significance (1); Likely benign (1). Last evaluated 2024-04-02.

Conditions:
Wilson disease (WND). Also called: Wilson's disease. Identifiers: Orphanet 905, MedGen C0019202, MONDO:0010200, OMIM 277900. Disease mechanism: loss of function.

Allele frequency attached by ClinVar (database versions not stated): gnomAD exomes below 0.00001; TOPMed below 0.00001; gnomAD 0.00001.
gnomAD v4.1: 5 of 1,613,916 alleles (0.00031%); highest among the groups gnomAD compares: Non-Finnish European, 0.00042%; no homozygotes.

Submissions (2):

Labcorp Genetics (formerly Invitae), Labcorp
Classification: Likely benign for Wilson disease. Last evaluated: 2024-04-02. Review status: criteria provided, single submitter. Criteria: Invitae Variant Classification Sherloc (09022015). Collection method: clinical testing. Allele origin: germline.

All of Us Research Program, National Institutes of Health
Classification: Uncertain significance for Wilson disease. Last evaluated: 2023-08-15. Review status: criteria provided, single submitter. Criteria: ACMG Guidelines, 2015. Collection method: clinical testing. Allele origin: germline. Inheritance: Autosomal recessive inheritance. Observed: 1 variant allele, 1 heterozygote.
Comment: This variant is located in the ATP7B protein. To our knowledge, functional studies have not been reported for this variant. This variant has not been reported in individuals affected with ATP7B-related disorders in the literature. This variant has not been identified in the general population by the Genome Aggregation Database (gnomAD). The available evidence is insufficient to determine the role of this variant in disease conclusively. Therefore, this variant is classified as a Variant of Uncertain Significance.

This study involves interpretation of variants in research participants for the purpose of population health screening. Participant phenotype was not available at the time of variant classification. Additional details can be found in publication PMID: 35346344, PMCID: PMC8962531

NM_000053.4(ATP7B):c.783G>A (p.Leu261=)

Gene: ATP7B (ATPase copper transporting beta; minus strand). Cytogenetic location: 13q14.3.
Variant type: single nucleotide variant.
Coding change: c.783G>A on transcript NM_000053.4 (MANE Select); coding-DNA position 783, G replaced by A.
Protein change: p.Leu261=; no amino-acid change (leucine 261 retained).
Molecular consequence: synonymous variant.
Genome position (GRCh38, 1-based): chr13:51,974,437, C>T on the plus strand (G>A on the coding strand, the complement: ATP7B is on the minus strand). VCF-style: chr13-51974437-C-T. GRCh37 (hg19) VCF-style: chr13-52548573-C-T.
Other names: c.783G>A, p.Leu261= (NM_001005918.3, NM_001243182.2, NM_001330578.2 and 30 more transcripts); c.687G>A, p.Leu229= (NM_001406517.1, NM_001406518.1, NM_001406530.1 and 4 more transcripts).
Identifiers: ClinVar variation 2885413 (VCV002885413.4), dbSNP rs1272518428, ClinGen allele CA484024993.